The following is an entry in ClinVar:

ClinVar aggregate classification (germline): Uncertain significance (1 of 4 stars; one submission).

Conditions:
Epidermodysplasia verruciformis. Identifiers: Orphanet 302, MedGen C0014522, MONDO:0009176.

Submission:

Labcorp Genetics (formerly Invitae), Labcorp
Classification: Uncertain significance for Epidermodysplasia verruciformis. Last evaluated: 2024-06-30. Review status: criteria provided, single submitter. Criteria: Invitae Variant Classification Sherloc (09022015). Collection method: clinical testing. Allele origin: germline.
Comment: This variant, c.38_40dup, results in the insertion of 1 amino acid(s) of the TMC8 protein (p.Pro13_Gly14insAla), but otherwise preserves the integrity of the reading frame. This variant is not present in population databases (gnomAD no frequency). This variant has not been reported in the literature in individuals affected with TMC8-related conditions. Experimental studies and prediction algorithms are not available or were not evaluated, and the functional significance of this variant is currently unknown. In summary, the available evidence is currently insufficient to determine the role of this variant in disease. Therefore, it has been classified as a Variant of Uncertain Significance.

NM_152468.5(TMC8):c.38_40dup (p.Pro13_Gly14insAla)

Genes: TMC6 (transmembrane channel like 6; minus strand), TMC8 (transmembrane channel like 8; plus strand), LOC130061792 (ATAC-STARR-seq lymphoblastoid silent region 9043; plus strand). Cytogenetic location: 17q25.3.
Variant type: Duplication.
Coding change: c.38_40dup on transcript NM_152468.5 (MANE Select); coding-DNA positions 38 to 40, 3 bases duplicated (CTG; older notation c.38_40dupCTG).
Protein change: p.Pro13_Gly14insAla.
Molecular consequence: inframe insertion. On other transcripts: intron variant (1).
Genome position (GRCh38, 1-based): chr17:78,131,626-78,131,628, CTG duplicated. VCF-style (leftmost placement, unchanged base first): chr17-78131625-C-CCTG. GRCh37 (hg19) VCF-style: chr17-76127706-C-CCTG.
Other names: c.-75+713_-75+715dup (NM_007267.7).
Identifiers: ClinVar variation 3658331 (VCV003658331.2).
Genomic context (GRCh38, chr17:78,131,625, plus strand): 5'-CAGCCTCTACCCGTGCCCGCCGAGATGCTGCTGCCGCGGTCGGTGTCATCGGAGCGGGCC[C>CCTG]CTGGGGTGCCGGAGCCGGAGGAGCTGTGGGAGGCAGAGATGGAGCGGCTGCGCGGCTCTG-3'